The following is an entry in ClinVar:

NM_003673.4(TCAP):c.387C>G (p.Asp129Glu)

Gene: TCAP (titin-cap; plus strand). Cytogenetic location: 17q12.
Variant type: single nucleotide variant.
Coding change: c.387C>G on transcript NM_003673.4 (MANE Select); coding-DNA position 387, C replaced by G.
Protein change: p.Asp129Glu; replaces aspartic acid 129 with glutamic acid.
Molecular consequence: missense variant.
Genome position (GRCh38, 1-based): chr17:39,665,992, C>G. VCF-style: chr17-39665992-C-G. GRCh37 (hg19) VCF-style: chr17-37822245-C-G.
Other names: short protein forms D129E.
Identifiers: ClinVar variation 1441277 (VCV001441277.10), dbSNP rs768942598, ClinGen allele CA8532904.

ClinVar aggregate classification (germline): Conflicting classifications of pathogenicity. Review status: criteria provided, conflicting classifications (1 of 4 stars). 2 submissions from 2 submitters: Uncertain significance (1); Likely benign (1). Last evaluated 2025-12-14.

Conditions:
Cardiovascular phenotype. Identifiers: MedGen CN230736.
Hypertrophic cardiomyopathy 25 (CMH25). Also called: CARDIOMYOPATHY, FAMILIAL HYPERTROPHIC, 25. Identifiers: MedGen C4225408, MONDO:0011843, OMIM 607487.
Primary familial hypertrophic cardiomyopathy (HCM). Identifiers: Orphanet 99739, MedGen C0949658, MeSH D024741, MONDO:0024573. Inheritance: Various modes of inheritance.

Allele frequency attached by ClinVar (database versions not stated): gnomAD exomes below 0.00001; TOPMed below 0.00001; ExAC 0.00001.

Submissions (2):

Labcorp Genetics (formerly Invitae), Labcorp
Classification: Uncertain significance for Hypertrophic cardiomyopathy 25; Primary familial hypertrophic cardiomyopathy. Last evaluated: 2025-12-14. Review status: criteria provided, single submitter. Criteria: Invitae Variant Classification Sherloc (09022015). Collection method: clinical testing. Allele origin: germline.
Comment: This sequence change replaces aspartic acid, which is acidic and polar, with glutamic acid, which is acidic and polar, at codon 129 of the TCAP protein (p.Asp129Glu). This variant is present in population databases (rs768942598, gnomAD 0.006%). This variant has not been reported in the literature in individuals affected with TCAP-related conditions. ClinVar contains an entry for this variant (Variation ID: 1441277). An algorithm developed to predict the effect of missense changes on protein structure and function outputs the following: PolyPhen-2: "Benign". The glutamic acid amino acid residue is found in multiple mammalian species, which suggests that this missense change does not adversely affect protein function. In summary, the available evidence is currently insufficient to determine the role of this variant in disease. Therefore, it has been classified as a Variant of Uncertain Significance.

Ambry Genetics
Classification: Likely benign for Cardiovascular phenotype. Last evaluated: 2019-09-20. Review status: criteria provided, single submitter. Criteria: Ambry Variant Classification Scheme 2023. Collection method: clinical testing. Allele origin: germline.